The following is an entry in ClinVar:

NM_006245.4(PPP2R5D):c.1486C>T (p.Arg496Trp)

Gene: PPP2R5D (protein phosphatase 2 regulatory subunit B'delta; plus strand). Cytogenetic location: 6p21.1.
Variant type: single nucleotide variant.
Coding change: c.1486C>T on transcript NM_006245.4 (MANE Select); coding-DNA position 1486, C replaced by T.
Protein change: p.Arg496Trp; replaces arginine 496 with tryptophan.
Molecular consequence: missense variant.
Genome position (GRCh38, 1-based): chr6:43,010,668, C>T. VCF-style: chr6-43010668-C-T. GRCh37 (hg19) VCF-style: chr6-42978406-C-T.
Other names: c.1033C>T, p.Arg345Trp (NM_001270476.2); c.1390C>T, p.Arg464Trp (NM_180976.3); c.1168C>T, p.Arg390Trp (NM_180977.3); c.1486C>T (NM_006245.2); short protein forms R390W, R496W, R345W, R464W.
Identifiers: ClinVar variation 1521680 (VCV001521680.10), dbSNP rs772904155, ClinGen allele CA3812085.

ClinVar aggregate classification (germline): Uncertain significance. Review status: criteria provided, multiple submitters, no conflicts (2 of 4 stars). 2 submissions from 2 submitters: Uncertain significance (2). Last evaluated 2026-01-11.

Conditions:
Inborn genetic diseases. Identifiers: MedGen C0950123, MeSH D030342.

Allele frequency attached by ClinVar (database versions not stated): TOPMed 0.00001; gnomAD 0.00001.
gnomAD v4.1: 5 of 1,614,012 alleles (0.00031%); highest among the groups gnomAD compares: Middle Eastern, 0.016%; no homozygotes.

Submissions (2):

Labcorp Genetics (formerly Invitae), Labcorp
Classification: Uncertain significance. Last evaluated: 2026-01-11. Review status: criteria provided, single submitter. Criteria: Invitae Variant Classification Sherloc (09022015). Collection method: clinical testing. Allele origin: germline.
Comment: This sequence change replaces arginine, which is basic and polar, with tryptophan, which is neutral and slightly polar, at codon 496 of the PPP2R5D protein (p.Arg496Trp). This variant is present in population databases (rs772904155, gnomAD 0.0009%). This variant has not been reported in the literature in individuals affected with PPP2R5D-related conditions. ClinVar contains an entry for this variant (Variation ID: 1521680). An algorithm developed to predict the effect of missense changes on protein structure and function (PolyPhen-2) suggests that this variant is likely to be disruptive. In summary, the available evidence is currently insufficient to determine the role of this variant in disease. Therefore, it has been classified as a Variant of Uncertain Significance.

Ambry Genetics
Classification: Uncertain significance for Inborn genetic diseases. Last evaluated: 2025-11-05. Review status: criteria provided, single submitter. Criteria: Ambry Variant Classification Scheme 2023. Collection method: clinical testing. Allele origin: germline.
Comment: The c.1486C>T (p.R496W) alteration is located in exon 14 (coding exon 14) of the PPP2R5D gene. This alteration results from a C to T substitution at nucleotide position 1486, causing the arginine (R) at amino acid position 496 to be replaced by a tryptophan (W). Based on data from gnomAD, the T allele has an overall frequency of <0.001% (1/251274) total alleles studied. The highest observed frequency was 0.001% (1/113584) of European (non-Finnish) alleles. Based on insufficient or conflicting evidence, the clinical significance of this alteration remains unclear.